The following is an entry in ClinVar:

ClinVar aggregate classification (germline): Benign/Likely benign. Review status: criteria provided, multiple submitters, no conflicts (2 of 4 stars). 2 submissions from 2 submitters: Benign (1); Likely benign (1). Last evaluated 2025-04-14.

Conditions:
Peutz-Jeghers syndrome (PJS). Also called: POLYPOSIS, HAMARTOMATOUS INTESTINAL; POLYPS-AND-SPOTS SYNDROME; Peutz-Jeghers polyposis; Periorificial lentiginosis syndrome. Identifiers: Orphanet 2869, MedGen C0031269, MeSH D010580, MONDO:0008280, OMIM 175200.

Submissions (2):

Labcorp Genetics (formerly Invitae), Labcorp
Classification: Likely benign for Peutz-Jeghers syndrome. Last evaluated: 2025-04-14. Review status: criteria provided, single submitter. Criteria: Invitae Variant Classification Sherloc (09022015). Collection method: clinical testing. Allele origin: germline.

Myriad Genetics, Inc.
Classification: Benign for Peutz-Jeghers syndrome. Last evaluated: 2025-03-25. Review status: criteria provided, single submitter. Criteria: Myriad Autosomal Dominant, Autosomal Recessive and X-Linked Classification Criteria (2023). Collection method: clinical testing. Allele origin: unknown.
Comment: This variant is considered benign. This variant is a silent/synonymous amino acid change and it is not expected to impact splicing.

NM_000455.5(STK11):c.339G>A (p.Leu113=)

Gene: STK11 (serine/threonine kinase 11; plus strand). Cytogenetic location: 19p13.3.
Variant type: single nucleotide variant.
Coding change: c.339G>A on transcript NM_000455.5 (MANE Select); coding-DNA position 339, G replaced by A.
Protein change: p.Leu113=; no amino-acid change (leucine 113 retained).
Molecular consequence: synonymous variant. On other transcripts: non-coding transcript variant (1).
Genome position (GRCh38, 1-based): chr19:1,218,465, G>A. VCF-style: chr19-1218465-G-A. GRCh37 (hg19) VCF-style: chr19-1218464-G-A.
Other names: c.339G>A, p.Leu113= (NM_001407255.1).
Identifiers: ClinVar variation 2916579 (VCV002916579.4), dbSNP rs2145420721, ClinGen allele CA504706560.